The following is an entry in ClinVar:

ClinVar aggregate classification (germline): Uncertain significance. Review status: criteria provided, multiple submitters, no conflicts (2 of 4 stars). 2 submissions from 2 submitters: Uncertain significance (2). Last evaluated 2024-03-06.

Conditions:
Hereditary cancer-predisposing syndrome. Also called: Hereditary Cancer Syndrome; Neoplastic Syndromes, Hereditary; Tumor predisposition; Hereditary neoplastic syndrome. Identifiers: Orphanet 140162, MedGen C0027672, MeSH D009386, MONDO:0015356.
Hereditary nonpolyposis colorectal neoplasms. Identifiers: MedGen C0009405, MeSH D003123.

Submissions (2):

Color Diagnostics, LLC DBA Color Health
Classification: Uncertain significance for Hereditary cancer-predisposing syndrome. Last evaluated: 2024-03-06. Review status: criteria provided, single submitter. Criteria: ACMG Guidelines, 2015. Collection method: clinical testing. Allele origin: germline.
Comment: This missense variant replaces histidine with proline at codon 837 of the MSH6 protein. Computational prediction suggests that this variant may have deleterious impact on protein structure and function (internally defined REVEL score threshold >= 0.7, PMID: 27666373). To our knowledge, functional studies have not been reported for this variant. This variant has not been reported in individuals affected with MSH6-related disorders in the literature. This variant has not been identified in the general population by the Genome Aggregation Database (gnomAD). The available evidence is insufficient to determine the role of this variant in disease conclusively. Therefore, this variant is classified as a Variant of Uncertain Significance.

Labcorp Genetics (formerly Invitae), Labcorp
Classification: Uncertain significance for Hereditary nonpolyposis colorectal neoplasms. Last evaluated: 2021-10-31. Review status: criteria provided, single submitter. Criteria: Invitae Variant Classification Sherloc (09022015). Collection method: clinical testing. Allele origin: germline.
Comment: In summary, the available evidence is currently insufficient to determine the role of this variant in disease. Therefore, it has been classified as a Variant of Uncertain Significance. Advanced modeling of protein sequence and biophysical properties (such as structural, functional, and spatial information, amino acid conservation, physicochemical variation, residue mobility, and thermodynamic stability) performed at Invitae indicates that this missense variant is expected to disrupt MSH6 protein function. ClinVar contains an entry for this variant (Variation ID: 1025015). This variant has not been reported in the literature in individuals affected with MSH6-related conditions. This variant is not present in population databases (gnomAD no frequency). This sequence change replaces histidine, which is basic and polar, with proline, which is neutral and non-polar, at codon 837 of the MSH6 protein (p.His837Pro).

NM_000179.3(MSH6):c.2510A>C (p.His837Pro)

Gene: MSH6 (mutS homolog 6; plus strand). Cytogenetic location: 2p16.3.
Variant type: single nucleotide variant.
Coding change: c.2510A>C on transcript NM_000179.3 (MANE Select); coding-DNA position 2510, A replaced by C.
Protein change: p.His837Pro; replaces histidine 837 with proline.
Molecular consequence: missense variant.
Genome position (GRCh38, 1-based): chr2:47,800,493, A>C. VCF-style: chr2-47800493-A-C. GRCh37 (hg19) VCF-style: chr2-48027632-A-C.
Other names: c.2120A>C, p.His707Pro (NM_001281492.2); c.1604A>C, p.His535Pro (NM_001281493.2, NM_001281494.2); short protein forms H535P, H707P, H837P.
Identifiers: ClinVar variation 1025015 (VCV001025015.9), dbSNP rs1669472143, ClinGen allele CA346754293.